The following is an entry in ClinVar:

NM_001164508.2(NEB):c.22531A>G (p.Asn7511Asp)

Genes: NEB (nebulin; minus strand), RIF1 (replication timing regulatory factor 1; plus strand). Cytogenetic location: 2q23.3.
Variant type: single nucleotide variant.
Coding change: c.22531A>G on transcript NM_001164508.2 (MANE Select); coding-DNA position 22531, A replaced by G.
Protein change: p.Asn7511Asp; replaces asparagine 7511 with aspartic acid.
Molecular consequence: missense variant.
Genome position (GRCh38, 1-based): chr2:151,519,717, T>C on the plus strand (A>G on the coding strand, the complement: NEB is on the minus strand). VCF-style: chr2-151519717-T-C. GRCh37 (hg19) VCF-style: chr2-152376231-T-C.
Other names: c.22531A>G, p.Asn7511Asp (NM_001164507.2); c.22636A>G, p.Asn7546Asp (NM_001271208.2); c.17428A>G, p.Asn5810Asp (NM_004543.5); short protein forms N5810D, N7511D, N7546D.
Identifiers: ClinVar variation 1051587 (VCV001051587.9), dbSNP rs2153396290, ClinGen allele CA348761900.

ClinVar aggregate classification (germline): Uncertain significance (1 of 4 stars; one submission).

Conditions:
Nemaline myopathy 2 (NEM2). Also called: Nemaline myopathy 2, autosomal recessive. Identifiers: MedGen C1850569, MONDO:0009725, OMIM 256030.

Submission:

Labcorp Genetics (formerly Invitae), Labcorp
Classification: Uncertain significance for Nemaline myopathy 2. Last evaluated: 2020-07-24. Review status: criteria provided, single submitter. Criteria: Invitae Variant Classification Sherloc (09022015). Collection method: clinical testing. Allele origin: germline.
Comment: This sequence change replaces asparagine with aspartic acid at codon 7546 of the NEB protein (p.Asn7546Asp). The asparagine residue is moderately conserved and there is a small physicochemical difference between asparagine and aspartic acid. This variant is not present in population databases (ExAC no frequency). This variant has not been reported in the literature in individuals with NEB-related conditions. Algorithms developed to predict the effect of missense changes on protein structure and function are either unavailable or do not agree on the potential impact of this missense change (SIFT: "Deleterious"; PolyPhen-2: "Not Available"; Align-GVGD: "Class C0"). In summary, the available evidence is currently insufficient to determine the role of this variant in disease. Therefore, it has been classified as a Variant of Uncertain Significance.